The following is an entry in ClinVar:

NM_199420.4(POLQ):c.5387A>G (p.Asn1796Ser)

Gene: POLQ (DNA polymerase theta; minus strand). Cytogenetic location: 3q13.33.
Variant type: single nucleotide variant.
Coding change: c.5387A>G on transcript NM_199420.4 (MANE Select); coding-DNA position 5387, A replaced by G.
Protein change: p.Asn1796Ser; replaces asparagine 1796 with serine.
Molecular consequence: missense variant.
Genome position (GRCh38, 1-based): chr3:121,487,544, T>C on the plus strand (A>G on the coding strand, the complement: POLQ is on the minus strand). VCF-style: chr3-121487544-T-C. GRCh37 (hg19) VCF-style: chr3-121206391-T-C.
Other names: short protein forms N1796S.
Identifiers: ClinVar variation 1747198 (VCV001747198.3), dbSNP rs144061552, ClinGen allele CA2562725.

ClinVar aggregate classification (germline): Uncertain significance (1 of 4 stars; one submission).

Allele frequency attached by ClinVar (database versions not stated): TOPMed 0.00004; ExAC 0.00005; gnomAD 0.00005; gnomAD exomes 0.00006; ESP Exome Variant Server 0.00008.
gnomAD v4.1: 90 of 1,613,986 alleles (0.0056%); highest among the groups gnomAD compares: Non-Finnish European, 0.0072%; no homozygotes.

Submission:

Ambry Genetics
Classification: Uncertain significance. Last evaluated: 2024-11-02. Review status: criteria provided, single submitter. Criteria: Ambry Variant Classification Scheme 2023. Collection method: clinical testing. Allele origin: germline.
Comment: The p.N1796S variant (also known as c.5387A>G), located in coding exon 16 of the POLQ gene, results from an A to G substitution at nucleotide position 5387. The asparagine at codon 1796 is replaced by serine, an amino acid with highly similar properties. This amino acid position is conserved. In addition, this alteration is predicted to be tolerated by in silico analysis. Since supporting evidence is limited at this time, the clinical significance of this alteration remains unclear.